The following is an entry in ClinVar:

ClinVar aggregate classification (germline): Pathogenic (1 of 4 stars; one submission).

Conditions:
Diamond-Blackfan anemia. Also called: Blackfan Diamond syndrome; Aregenerative anemia chronic congenital; Red cell aplasia, pure hereditary; Congenital hypoplastic anemia; Aase syndrome. Identifiers: Orphanet 124, MedGen C1260899, MeSH D029503, MONDO:0015253, HP:0004810.

Submission:

Labcorp Genetics (formerly Invitae), Labcorp
Classification: Pathogenic for Diamond-Blackfan anemia. Last evaluated: 2022-04-23. Review status: criteria provided, single submitter. Criteria: Invitae Variant Classification Sherloc (09022015). Collection method: clinical testing. Allele origin: germline.
Comment: This sequence change creates a premature translational stop signal (p.Arg56*) in the RPS19 gene. It is expected to result in an absent or disrupted protein product. Loss-of-function variants in RPS19 are known to be pathogenic (PMID: 20960466). This variant is not present in population databases (gnomAD no frequency). This premature translational stop signal has been observed in individual(s) with Diamond-Blackfan anemia (PMID: 12750732, 18768533). Algorithms developed to predict the effect of sequence changes on RNA splicing suggest that this variant may create or strengthen a splice site. For these reasons, this variant has been classified as Pathogenic.

Literature cited by the submitters: PubMed 20960466; PubMed 12750732; PubMed 18768533.

NM_001022.4(RPS19):c.166C>T (p.Arg56Ter)

Genes: RPS19 (ribosomal protein S19; plus strand), RPS19-CD79A (RPS19-CD79A readthrough; plus strand). Cytogenetic location: 19q13.2.
Variant type: single nucleotide variant.
Coding change: c.166C>T on transcript NM_001022.4 (MANE Select); coding-DNA position 166, C replaced by T.
Protein change: p.Arg56Ter; replaces arginine 56 with a stop codon.
Molecular consequence: nonsense.
Genome position (GRCh38, 1-based): chr19:41,861,206, C>T. VCF-style: chr19-41861206-C-T. GRCh37 (hg19) VCF-style: chr19-42365275-C-T.
Other names: c.166C>T, p.Arg56Ter (NM_001321483.2, NM_001321484.2, NM_001321485.2); short protein forms R56*.
Identifiers: ClinVar variation 2138300 (VCV002138300.4), dbSNP rs2513667436, ClinGen allele CA406047290.